The following is an entry in ClinVar:

ClinVar aggregate classification (germline): Uncertain significance. Review status: criteria provided, multiple submitters, no conflicts (2 of 4 stars). 2 submissions from 2 submitters: Uncertain significance (2). Last evaluated 2024-03-25.

Conditions:
Inborn genetic diseases. Identifiers: MedGen C0950123, MeSH D030342.

Allele frequency attached by ClinVar (database versions not stated): TOPMed below 0.00001; gnomAD exomes 0.00003; ExAC 0.00007.
gnomAD v4.1: 39 of 1,613,440 alleles (0.0024%); highest among the groups gnomAD compares: South Asian, 0.04%; no homozygotes.

Submissions (2):

Ambry Genetics
Classification: Uncertain significance for Inborn genetic diseases. Last evaluated: 2024-03-25. Review status: criteria provided, single submitter. Criteria: Ambry Variant Classification Scheme 2023. Collection method: clinical testing. Allele origin: germline.

Labcorp Genetics (formerly Invitae), Labcorp
Classification: Uncertain significance. Last evaluated: 2023-02-18. Review status: criteria provided, single submitter. Criteria: Invitae Variant Classification Sherloc (09022015). Collection method: clinical testing. Allele origin: germline.
Comment: In summary, the available evidence is currently insufficient to determine the role of this variant in disease. Therefore, it has been classified as a Variant of Uncertain Significance. An algorithm developed to predict the effect of missense changes on protein structure and function (PolyPhen-2) suggests that this variant is likely to be tolerated. This variant has not been reported in the literature in individuals affected with CFH-related conditions. This variant is present in population databases (rs775533448, gnomAD 0.05%). This sequence change replaces methionine, which is neutral and non-polar, with valine, which is neutral and non-polar, at codon 432 of the CFH protein (p.Met432Val).

NM_000186.4(CFH):c.1294A>G (p.Met432Val)

Gene: CFH (complement factor H; plus strand). Cytogenetic location: 1q31.3.
Variant type: single nucleotide variant.
Coding change: c.1294A>G on transcript NM_000186.4 (MANE Select); coding-DNA position 1294, A replaced by G.
Protein change: p.Met432Val; replaces methionine 432 with valine.
Molecular consequence: missense variant.
Genome position (GRCh38, 1-based): chr1:196,690,197, A>G. VCF-style: chr1-196690197-A-G. GRCh37 (hg19) VCF-style: chr1-196659327-A-G.
Other names: c.1294A>G, p.Met432Val (NM_001014975.3); short protein forms M432V.
Identifiers: ClinVar variation 3019906 (VCV003019906.4), dbSNP rs775533448, ClinGen allele CA1305299.